The following is an entry in ClinVar:

NM_003640.5(ELP1):c.3701-202G>A

Gene: ELP1 (elongator acetyltransferase complex subunit 1; minus strand). Cytogenetic location: 9q31.3.
Variant type: single nucleotide variant.
Coding change: c.3701-202G>A on transcript NM_003640.5 (MANE Select); 202 bases into the intron before coding-DNA position 3701, G replaced by A.
Molecular consequence: intron variant.
Genome position (GRCh38, 1-based): chr9:108,878,351, C>T on the plus strand (G>A on the coding strand, the complement: ELP1 is on the minus strand). VCF-style: chr9-108878351-C-T. GRCh37 (hg19) VCF-style: chr9-111640631-C-T.
Other names: c.3359-202G>A (NM_001318360.2); c.2654-202G>A (NM_001330749.2).
Identifiers: ClinVar variation 681945 (VCV000681945.1), dbSNP rs10435834, ClinGen allele CA13017816.
Genomic context (GRCh38, chr9:108,878,351, plus strand): 5'-ATGCTGGAATAATTAAACACATGTACTACAAAAAGAAAATCAAGCACGCTGGGGGGCCTA[C>T]GCAGAAAGCAGTGTCCCACAATTCTTTATCCTGGCCTAAGCATCTCTCCCAGTTCAGTTA-3'

ClinVar aggregate classification (germline): Benign (1 of 4 stars; one submission).

Allele frequency attached by ClinVar (database versions not stated): 1000 Genomes Project 0.38738; 1000 Genomes Project 30x 0.38866; gnomAD 0.39936 and 0.40661; TOPMed 0.40083.
gnomAD v4.1: 60,700 of 152,034 alleles (40%); highest among the groups gnomAD compares: African/African-American, 54%; 12,793 homozygotes.

Submission:

GeneDx
Classification: Benign. Last evaluated: 2018-06-19. Review status: criteria provided, single submitter. Criteria: GeneDx Variant Classification (06012015). Collection method: clinical testing. Allele origin: germline. Affected: yes.
Comment: This variant is considered likely benign or benign based on one or more of the following criteria: it is a conservative change, it occurs at a poorly conserved position in the protein, it is predicted to be benign by multiple in silico algorithms, and/or has population frequency not consistent with disease.